The following is an entry in ClinVar:

NM_014264.5(PLK4):c.1831-3T>A

Gene: PLK4 (polo like kinase 4; plus strand). Cytogenetic location: 4q28.1.
Variant type: single nucleotide variant.
Coding change: c.1831-3T>A on transcript NM_014264.5 (MANE Select); 3 bases into the intron before coding-DNA position 1831, T replaced by A.
Molecular consequence: intron variant.
Genome position (GRCh38, 1-based): chr4:127,891,089, T>A. VCF-style: chr4-127891089-T-A. GRCh37 (hg19) VCF-style: chr4-128812244-T-A.
Other names: c.1735-3T>A (NM_001190799.2); c.1708-3T>A (NM_001190801.2).
Identifiers: ClinVar variation 2181910 (VCV002181910.4), dbSNP rs772096602, ClinGen allele CA3076874.

ClinVar aggregate classification (germline): Uncertain significance (1 of 4 stars; one submission).

Allele frequency attached by ClinVar (database versions not stated): ExAC 0.00001.

Submission:

Labcorp Genetics (formerly Invitae), Labcorp
Classification: Uncertain significance. Last evaluated: 2022-11-08. Review status: criteria provided, single submitter. Criteria: Invitae Variant Classification Sherloc (09022015). Collection method: clinical testing. Allele origin: germline.
Comment: In summary, the available evidence is currently insufficient to determine the role of this variant in disease. Therefore, it has been classified as a Variant of Uncertain Significance. Variants that disrupt the consensus splice site are a relatively common cause of aberrant splicing (PMID: 17576681, 9536098). Algorithms developed to predict the effect of sequence changes on RNA splicing suggest that this variant is not likely to affect RNA splicing. This variant has not been reported in the literature in individuals affected with PLK4-related conditions. The frequency data for this variant in the population databases is considered unreliable, as metrics indicate poor data quality at this position in the gnomAD database. This sequence change falls in intron 7 of the PLK4 gene. It does not directly change the encoded amino acid sequence of the PLK4 protein. It affects a nucleotide within the consensus splice site.

Literature cited by the submitters: PubMed 17576681; PubMed 9536098.